The following is an entry in ClinVar:

NM_057175.5(NAA15):c.2535G>C (p.Glu845Asp)

Gene: NAA15 (N-alpha-acetyltransferase 15, NatA auxiliary subunit; plus strand). Cytogenetic location: 4q31.1.
Variant type: single nucleotide variant.
Coding change: c.2535G>C on transcript NM_057175.5 (MANE Select); coding-DNA position 2535, G replaced by C.
Protein change: p.Glu845Asp; replaces glutamic acid 845 with aspartic acid.
Molecular consequence: missense variant.
Genome position (GRCh38, 1-based): chr4:139,388,018, G>C. VCF-style: chr4-139388018-G-C. GRCh37 (hg19) VCF-style: chr4-140309172-G-C.
Other names: c.2532G>C, p.Glu844Asp (NM_001410842.1); c.*944G>C (NM_025085.2); short protein forms E844D, E845D.
Identifiers: ClinVar variation 2504744 (VCV002504744.1), dbSNP rs1748956108, ClinGen allele CA358271328.

ClinVar aggregate classification (germline): Uncertain significance (1 of 4 stars; one submission).

Allele frequency attached by ClinVar (database versions not stated): gnomAD 0.00001; TOPMed 0.00001.
gnomAD v4.1: 2 of 1,613,776 alleles (0.00012%); highest among the groups gnomAD compares: Admixed American, 0.0033%; no homozygotes.

Submission:

GeneDx
Classification: Uncertain significance. Last evaluated: 2022-12-07. Review status: criteria provided, single submitter. Criteria: GeneDx Variant Classification Process June 2021. Collection method: clinical testing. Allele origin: germline. Affected: yes.
Comment: Not observed at significant frequency in large population cohorts (gnomAD); In silico analysis supports that this missense variant does not alter protein structure/function; Has not been previously published as pathogenic or benign to our knowledge